The following is an entry in ClinVar:

ClinVar aggregate classification (germline): Uncertain significance (1 of 4 stars; one submission).

Allele frequency attached by ClinVar (database versions not stated): ExAC 0.00002; ESP Exome Variant Server 0.00015.
gnomAD v4.1: 10 of 1,609,664 alleles (0.00062%); highest among the groups gnomAD compares: African/African-American, 0.013%; no homozygotes.

Submission:

Labcorp Genetics (formerly Invitae), Labcorp
Classification: Uncertain significance. Last evaluated: 2022-11-08. Review status: criteria provided, single submitter. Criteria: Invitae Variant Classification Sherloc (09022015). Collection method: clinical testing. Allele origin: germline.
Comment: In summary, the available evidence is currently insufficient to determine the role of this variant in disease. Therefore, it has been classified as a Variant of Uncertain Significance. Algorithms developed to predict the effect of missense changes on protein structure and function (SIFT, PolyPhen-2, Align-GVGD) all suggest that this variant is likely to be tolerated. This variant has not been reported in the literature in individuals affected with PLAA-related conditions. This variant is present in population databases (rs150012469, gnomAD 0.008%). This sequence change replaces arginine, which is basic and polar, with leucine, which is neutral and non-polar, at codon 499 of the PLAA protein (p.Arg499Leu).

NM_001031689.3(PLAA):c.1496G>T (p.Arg499Leu)

Gene: PLAA (phospholipase A2 activating protein; minus strand). Cytogenetic location: 9p21.2.
Variant type: single nucleotide variant.
Coding change: c.1496G>T on transcript NM_001031689.3 (MANE Select); coding-DNA position 1496, G replaced by T.
Protein change: p.Arg499Leu; replaces arginine 499 with leucine.
Molecular consequence: missense variant.
Genome position (GRCh38, 1-based): chr9:26,913,938, C>A on the plus strand (G>T on the coding strand, the complement: PLAA is on the minus strand). VCF-style: chr9-26913938-C-A. GRCh37 (hg19) VCF-style: chr9-26913936-C-A.
Other names: c.1427G>T, p.Arg476Leu (NM_001321546.2); short protein forms R499L, R476L.
Identifiers: ClinVar variation 1964519 (VCV001964519.3), dbSNP rs150012469, ClinGen allele CA5014328.